The following is an entry in ClinVar:

ClinVar aggregate classification (germline): Benign. Review status: criteria provided, multiple submitters, no conflicts (2 of 4 stars). 4 submissions from 4 submitters: Benign (3). 1 of the submissions does not count toward it. Last evaluated 2026-01-14.

Conditions:
Meier-Gorlin syndrome 1 (MGORS1). Also called: EAR, PATELLA, SHORT STATURE SYNDROME. Identifiers: Orphanet 2554, MedGen C4552001, MONDO:0009143, OMIM 224690.

Allele frequency attached by ClinVar (database versions not stated): ESP Exome Variant Server 0.00231; TOPMed 0.00346; gnomAD 0.00405 and 0.00224; gnomAD exomes 0.00606 and 0.00948; ExAC 0.01023; 1000 Genomes Project 30x 0.01686; 1000 Genomes Project 0.01817.
gnomAD v4.1: 9,511 of 1,614,146 alleles (0.59%); highest among the groups gnomAD compares: South Asian, 4.2%; 151 homozygotes.

Submissions (4):

Labcorp Genetics (formerly Invitae), Labcorp
Classification: Benign. Last evaluated: 2026-01-14. Review status: criteria provided, single submitter. Criteria: Invitae Variant Classification Sherloc (09022015). Collection method: clinical testing. Allele origin: germline.

Illumina Laboratory Services, Illumina
Classification: Benign for Meier-Gorlin syndrome 1. Last evaluated: 2018-01-12. Review status: criteria provided, single submitter. Criteria: ICSL Variant Classification Criteria 13 December 2019. Collection method: clinical testing. Allele origin: germline.
Comment: This variant was observed in the ICSL laboratory as part of a predisposition screen in an ostensibly healthy population. It had not been previously curated by ICSL or reported in the Human Gene Mutation Database (HGMD: prior to June 1st, 2018), and was therefore a candidate for classification through an automated scoring system. Utilizing variant allele frequency, disease prevalence and penetrance estimates, and inheritance mode, an automated score was calculated to assess if this variant is too frequent to cause the disease. Based on the score and internal cut-off values, a variant classified as benign is not then subjected to further curation. The score for this variant resulted in a classification of benign for this disease.

Breakthrough Genomics
Classification: Benign. Review status: criteria provided, single submitter. Criteria: ACMG Guidelines, 2015. Collection method: not provided. Allele origin: germline. Inheritance: Autosomal recessive inheritance. Affected: yes.

Genetic Services Laboratory, University of Chicago
Classification: Likely benign for AllHighlyPenetrant. Review status: no assertion criteria provided. Collection method: clinical testing. Allele origin: germline. Inheritance: Autosomal recessive inheritance. Not counted in ClinVar's aggregate classification.
Comment: Likely benign based on allele frequency in 1000 Genomes Project or ESP global frequency and its presence in a patient with a rare or unrelated disease phenotype. NOT Sanger confirmed.

NM_004153.4(ORC1):c.2427G>A (p.Glu809=)

Gene: ORC1 (origin recognition complex subunit 1; minus strand). Cytogenetic location: 1p32.3.
Variant type: single nucleotide variant.
Coding change: c.2427G>A on transcript NM_004153.4 (MANE Select); coding-DNA position 2427, G replaced by A.
Protein change: p.Glu809=; no amino-acid change (glutamic acid 809 retained).
Molecular consequence: synonymous variant.
Genome position (GRCh38, 1-based): chr1:52,373,340, C>T on the plus strand (G>A on the coding strand, the complement: ORC1 is on the minus strand). VCF-style: chr1-52373340-C-T. GRCh37 (hg19) VCF-style: chr1-52839012-C-T.
Other names: c.2427G>A, p.Glu809= (NM_001190818.2); c.2412G>A, p.Glu804= (NM_001190819.2).
Identifiers: ClinVar variation 129859 (VCV000129859.18), dbSNP rs77077945, ClinGen allele CA154198.